The following is an entry in ClinVar:

NM_002691.4(POLD1):c.1776-19G>A

Gene: POLD1 (DNA polymerase delta 1, catalytic subunit; plus strand). Cytogenetic location: 19q13.33.
Variant type: single nucleotide variant.
Coding change: c.1776-19G>A on transcript NM_002691.4 (MANE Select); 19 bases into the intron before coding-DNA position 1776, G replaced by A.
Molecular consequence: intron variant. On other transcripts: missense variant (1).
Genome position (GRCh38, 1-based): chr19:50,408,766, G>A. VCF-style: chr19-50408766-G-A. GRCh37 (hg19) VCF-style: chr19-50912023-G-A.
Other names: c.1835G>A, p.Arg612His (NM_001308632.1, LRG_785t2); c.1776-19G>A (NM_001256849.1, LRG_785t1); short protein forms R612H.
Identifiers: ClinVar variation 372005 (VCV000372005.15), dbSNP rs772329761, ClinGen allele CA9596277.
Genomic context (GRCh38, chr19:50,408,766, plus strand): 5'-GGGTGAGGCCACAAGACAGGGCGGGGGCGGCATGGGAACTCCTAGCCCTGACTCCCGGCC[G>A]CGGCTGCTCCCCTCCCAGGTACTACGACGTCCCCATCGCCACCCTGGACTTCTCCTCGCT-3'

ClinVar aggregate classification (germline): Benign/Likely benign. Review status: criteria provided, multiple submitters, no conflicts (2 of 4 stars). 6 submissions from 6 submitters: Benign (1); Likely benign (4). 1 of the submissions does not count toward it. Last evaluated 2026-01-10.

Conditions:
POLD1-related polyposis and colorectal cancer syndrome (CRCS10). Also called: Colorectal cancer, susceptibility to, 10; Colorectal cancer 10; COLORECTAL CANCER, SUSCEPTIBILITY TO, ON CHROMOSOME 19q. Identifiers: Orphanet 220460, MedGen C2675481, MONDO:0012953, OMIM 612591.
POLD1-related disorder. Also called: POLD1-related disorders; POLD1-related condition.

Allele frequency attached by ClinVar (database versions not stated): gnomAD 0.00001 and 0.00004; gnomAD exomes 0.00002; ExAC 0.00003; TOPMed 0.00003.
gnomAD v4.1: 37 of 1,613,030 alleles (0.0023%); highest among the groups gnomAD compares: South Asian, 0.0055%; no homozygotes.

Submissions (6):

PreventionGenetics, part of Exact Sciences
Classification: Likely benign for POLD1-related condition. Last evaluated: 2026-01-10. Review status: criteria provided, single submitter. Criteria: ACMG Guidelines, 2015. Collection method: clinical testing. Allele origin: germline.
Comment: This variant is classified as likely benign based on ACMG/AMP sequence variant interpretation guidelines (Richards et al. 2015 PMID: 25741868, with internal and published modifications).

Labcorp Genetics (formerly Invitae), Labcorp
Classification: Likely benign for POLD1-related polyposis and colorectal cancer syndrome. Last evaluated: 2025-11-22. Review status: criteria provided, single submitter. Criteria: Invitae Variant Classification Sherloc (09022015). Collection method: clinical testing. Allele origin: germline.

KCCC/NGS Laboratory, Kuwait Cancer Control Center
Classification: Benign for POLD1-related polyposis and colorectal cancer syndrome. Last evaluated: 2025-02-01. Review status: criteria provided, single submitter. Criteria: ACMG Guidelines, 2015. Collection method: clinical testing. Allele origin: germline. Affected: no.

Blueprint Genetics
Classification: Likely benign. Last evaluated: 2023-08-02. Review status: criteria provided, single submitter. Criteria: ACMG Guidelines, 2015. Collection method: clinical testing. Allele origin: germline.

GeneDx
Classification: Likely benign. Last evaluated: 2017-08-03. Review status: criteria provided, single submitter. Criteria: GeneDx Variant Classification (06012015). Collection method: clinical testing. Allele origin: germline. Affected: yes.
Comment: This variant is considered likely benign or benign based on one or more of the following criteria: it is a conservative change, it occurs at a poorly conserved position in the protein, it is predicted to be benign by multiple in silico algorithms, and/or has population frequency not consistent with disease.

Counsyl
Classification: Likely benign for POLD1-related polyposis and colorectal cancer syndrome. Last evaluated: 2016-10-07. Review status: no assertion criteria provided. Collection method: clinical testing. Allele origin: unknown. Not counted in ClinVar's aggregate classification.